The following is an entry in ClinVar:

NM_001079802.2(FKTN):c.664G>A (p.Val222Ile)

Gene: FKTN (fukutin; plus strand). Cytogenetic location: 9q31.2.
Variant type: single nucleotide variant.
Coding change: c.664G>A on transcript NM_001079802.2 (MANE Select); coding-DNA position 664, G replaced by A.
Protein change: p.Val222Ile; replaces valine 222 with isoleucine.
Molecular consequence: missense variant. On other transcripts: non-coding transcript variant (2).
Genome position (GRCh38, 1-based): chr9:105,607,835, G>A. VCF-style: chr9-105607835-G-A. GRCh37 (hg19) VCF-style: chr9-108370116-G-A.
Other names: c.664G>A, p.Val222Ile (NM_001198963.2, NM_001351496.2, NM_001351498.2 and 1 more transcripts); c.595G>A, p.Val199Ile (NM_001351497.2); c.268G>A, p.Val90Ile (NM_001351499.2, NM_001351500.2, NM_001351501.2 and 1 more transcripts); short protein forms V199I, V222I, V90I.
Identifiers: ClinVar variation 913951 (VCV000913951.8), dbSNP rs1293245717, ClinGen allele CA374332493.
Genomic context (GRCh38, chr9:105,607,835, plus strand): 5'-GTTTCCCCCACCCCTCATTAATAAATCTTAACTTTTGTTTTCAGGCCAGAGTTACAGCAA[G>A]TTACTGTTGATGGACTGGAAGTTCTCATTCCAAAGGATCCAATGCACTTTGTAGAAGAAG-3'
Protein context (NP_001073270.1, residues 212-232): GAFDRPELQQ[Val222Ile]TVDGLEVLIP

ClinVar aggregate classification (germline): Conflicting classifications of pathogenicity. Review status: criteria provided, conflicting classifications (1 of 4 stars). 4 submissions from 3 submitters: Uncertain significance (3); Likely benign (1). Last evaluated 2025-09-15.

Conditions:
Dilated cardiomyopathy 1X (CMD1X). Also called: CARDIOMYOPATHY, DILATED, WITH MILD OR NO PROXIMAL MUSCLE WEAKNESS; FKTN-Related Dilated Cardiomyopathy. Identifiers: Orphanet 154, MedGen C1969024, MONDO:0012704, OMIM 611615.
Cardiovascular phenotype. Identifiers: MedGen CN230736.
Walker-Warburg congenital muscular dystrophy. Also called: Muscular dystrophy-dystroglycanopathy, type A; Walker-Warburg syndrome. Identifiers: Orphanet 899, MedGen C0265221, MONDO:0000171.
Muscular dystrophy-dystroglycanopathy (congenital with brain and eye anomalies), type A, 4 (MDDGA4). Also called: Walker-Warburg Syndrome, Fktn-Related; Congenital muscular dystrophy-dystroglycanopathy with brain and eye anomalies, type A4; WALKER-WARBURG SYNDROME OR MUSCLE-EYE-BRAIN DISEASE, FKTN-RELATED; Muscular dystrophy, congenital progressive, with mental retardation; Muscular dystrophy, congenital, with central nervous system involvement; Cerebromuscular dystrophy, Fukuyama type. Identifiers: Orphanet 272, Orphanet 588, Orphanet 899, MedGen C0410174, MONDO:0009678, OMIM 253800.

Allele frequency attached by ClinVar (database versions not stated): gnomAD exomes below 0.00001.
gnomAD v4.1: 1 of 1,612,796 alleles (0.000062%); highest among the groups gnomAD compares: Admixed American, 0.0017%; no homozygotes.

Submissions (4):

Ambry Genetics
Classification: Likely benign for Cardiovascular phenotype. Last evaluated: 2025-09-15. Review status: criteria provided, single submitter. Criteria: Ambry Variant Classification Scheme 2023. Collection method: clinical testing. Allele origin: germline.

Labcorp Genetics (formerly Invitae), Labcorp
Classification: Uncertain significance for Walker-Warburg congenital muscular dystrophy. Last evaluated: 2022-08-03. Review status: criteria provided, single submitter. Criteria: Invitae Variant Classification Sherloc (09022015). Collection method: clinical testing. Allele origin: germline.
Comment: This sequence change replaces valine, which is neutral and non-polar, with isoleucine, which is neutral and non-polar, at codon 222 of the FKTN protein (p.Val222Ile). This variant is present in population databases (no rsID available, gnomAD 0.003%). This variant has not been reported in the literature in individuals affected with FKTN-related conditions. ClinVar contains an entry for this variant (Variation ID: 913951). Algorithms developed to predict the effect of missense changes on protein structure and function output the following: SIFT: "Tolerated"; PolyPhen-2: "Benign"; Align-GVGD: "Class C0". The isoleucine amino acid residue is found in multiple mammalian species, which suggests that this missense change does not adversely affect protein function. In summary, the available evidence is currently insufficient to determine the role of this variant in disease. Therefore, it has been classified as a Variant of Uncertain Significance.

Illumina Laboratory Services, Illumina
Classification: Uncertain significance for Muscular dystrophy-dystroglycanopathy (congenital with brain and eye anomalies), type A, 4. Last evaluated: 2017-04-27. Review status: criteria provided, single submitter. Criteria: ICSL Variant Classification Criteria 13 December 2019. Collection method: clinical testing. Allele origin: germline.

Illumina Laboratory Services, Illumina
Classification: Uncertain significance for Dilated cardiomyopathy 1X. Last evaluated: 2017-04-27. Review status: criteria provided, single submitter. Criteria: ICSL Variant Classification Criteria 13 December 2019. Collection method: clinical testing. Allele origin: germline.